The following is an entry in ClinVar:

NM_022455.5(NSD1):c.4641+6G>A

Gene: NSD1 (nuclear receptor binding SET domain protein 1; plus strand). Cytogenetic location: 5q35.3.
Variant type: single nucleotide variant.
Coding change: c.4641+6G>A on transcript NM_022455.5 (MANE Select); 6 bases into the intron after coding-DNA position 4641, G replaced by A.
Molecular consequence: intron variant.
Genome position (GRCh38, 1-based): chr5:177,248,330, G>A. VCF-style: chr5-177248330-G-A. GRCh37 (hg19) VCF-style: chr5-176675331-G-A.
Other names: c.4641+6G>A (NM_001409301.1, NM_001409302.1, NM_001409303.1); c.4221+6G>A (NM_001409304.1); c.3888+6G>A (NM_001409305.1); c.3768+6G>A (NM_001409306.1, NM_001409308.1, NM_001409307.1 and 3 more transcripts).
Identifiers: ClinVar variation 3718850 (VCV003718850.2).

ClinVar aggregate classification (germline): Uncertain significance (1 of 4 stars; one submission).

gnomAD v4.1: 7 of 1,612,934 alleles (0.00043%); highest among the groups gnomAD compares: African/African-American, 0.0053%; no homozygotes.

Submission:

Labcorp Genetics (formerly Invitae), Labcorp
Classification: Uncertain significance. Last evaluated: 2024-04-22. Review status: criteria provided, single submitter. Criteria: Invitae Variant Classification Sherloc (09022015). Collection method: clinical testing. Allele origin: germline.
Comment: This sequence change falls in intron 11 of the NSD1 gene. It does not directly change the encoded amino acid sequence of the NSD1 protein. It affects a nucleotide within the consensus splice site. This variant is not present in population databases (gnomAD no frequency). This variant has not been reported in the literature in individuals affected with NSD1-related conditions. Variants that disrupt the consensus splice site are a relatively common cause of aberrant splicing (PMID: 17576681, 9536098). Algorithms developed to predict the effect of sequence changes on RNA splicing suggest that this variant is not likely to affect RNA splicing. In summary, the available evidence is currently insufficient to determine the role of this variant in disease. Therefore, it has been classified as a Variant of Uncertain Significance.

Literature cited by the submitters: PubMed 17576681; PubMed 9536098.